The following is an entry in ClinVar:

NM_017721.5(CC2D1A):c.774C>G (p.Ala258=)

Gene: CC2D1A (coiled-coil and C2 domain containing 1A; plus strand). Cytogenetic location: 19p13.12.
Variant type: single nucleotide variant.
Coding change: c.774C>G on transcript NM_017721.5 (MANE Select); coding-DNA position 774, C replaced by G.
Protein change: p.Ala258=; no amino-acid change (alanine 258 retained).
Molecular consequence: synonymous variant.
Genome position (GRCh38, 1-based): chr19:13,918,095, C>G. VCF-style: chr19-13918095-C-G. GRCh37 (hg19) VCF-style: chr19-14028908-C-G.
Other names: c.774C>G, p.Ala258= (NM_001411138.1).
Identifiers: ClinVar variation 2649406 (VCV002649406.24), dbSNP rs1411067360, ClinGen allele CA505677156.

ClinVar aggregate classification (germline): Likely benign (1 of 4 stars; one submission).

Allele frequency attached by ClinVar (database versions not stated): TOPMed below 0.00001.
gnomAD v4.1: 2 of 1,612,968 alleles (0.00012%); highest among the groups gnomAD compares: Non-Finnish European, 0.000085%; no homozygotes.

Submission:

CeGaT Center for Human Genetics Tuebingen
Classification: Likely benign. Last evaluated: 2022-07-01. Review status: criteria provided, single submitter. Criteria: CeGaT Center For Human Genetics Tuebingen Variant Classification Criteria Version 2. Collection method: clinical testing. Allele origin: germline. Affected: yes. Observed: 1 variant allele.
Comment: CC2D1A: BP4, BP7